The following is an entry in ClinVar:

ClinVar aggregate classification (germline): Uncertain significance. Review status: criteria provided, multiple submitters, no conflicts (2 of 4 stars). 2 submissions from 2 submitters: Uncertain significance (2). Last evaluated 2025-10-12.

Conditions:
Congenital myopathy with internal nuclei and atypical cores. Also called: Myopathy, centronuclear, 4. Identifiers: Orphanet 319160, MedGen C4707232, MONDO:0013890, OMIM 614807.
Inborn genetic diseases. Identifiers: MedGen C0950123, MeSH D030342.

Allele frequency attached by ClinVar (database versions not stated): ExAC 0.00001; gnomAD exomes 0.00002 and 0.00005; TOPMed 0.00003; gnomAD 0.00005; ESP Exome Variant Server 0.00008.
gnomAD v4.1: 80 of 1,612,216 alleles (0.005%); highest among the groups gnomAD compares: Non-Finnish European, 0.0063%; no homozygotes.

Submissions (2):

Labcorp Genetics (formerly Invitae), Labcorp
Classification: Uncertain significance for Congenital myopathy with internal nuclei and atypical cores. Last evaluated: 2025-10-12. Review status: criteria provided, single submitter. Criteria: Invitae Variant Classification Sherloc (09022015). Collection method: clinical testing. Allele origin: germline.
Comment: This sequence change replaces lysine, which is basic and polar, with asparagine, which is neutral and polar, at codon 237 of the CCDC78 protein (p.Lys237Asn). The frequency data for this variant in the population databases is considered unreliable, as metrics indicate poor data quality at this position in the gnomAD database. This variant has not been reported in the literature in individuals affected with CCDC78-related conditions. ClinVar contains an entry for this variant (Variation ID: 567450). Invitae Evidence Modeling of protein sequence and biophysical properties (such as structural, functional, and spatial information, amino acid conservation, physicochemical variation, residue mobility, and thermodynamic stability) has been performed for this missense variant. However, the output from this modeling did not meet the statistical confidence thresholds required to predict the impact of this variant on CCDC78 protein function. In summary, the available evidence is currently insufficient to determine the role of this variant in disease. Therefore, it has been classified as a Variant of Uncertain Significance.

Ambry Genetics
Classification: Uncertain significance for Inborn genetic diseases. Last evaluated: 2024-07-25. Review status: criteria provided, single submitter. Criteria: Ambry Variant Classification Scheme 2023. Collection method: clinical testing. Allele origin: germline.

NM_001378030.1(CCDC78):c.711G>C (p.Lys237Asn)

Gene: CCDC78 (coiled-coil domain containing 78; minus strand). Cytogenetic location: 16p13.3.
Variant type: single nucleotide variant.
Coding change: c.711G>C on transcript NM_001378030.1 (MANE Select); coding-DNA position 711, G replaced by C.
Protein change: p.Lys237Asn; replaces lysine 237 with asparagine.
Molecular consequence: missense variant. On other transcripts: non-coding transcript variant (5), intron variant (1).
Genome position (GRCh38, 1-based): chr16:724,735, C>G on the plus strand (G>C on the coding strand, the complement: CCDC78 is on the minus strand). VCF-style: chr16-724735-C-G. GRCh37 (hg19) VCF-style: chr16-774735-C-G.
Other names: c.711G>C, p.Lys237Asn (NM_001031737.3, NM_001378031.1); c.199-226G>C (NM_001378033.1); short protein forms K237N.
Identifiers: ClinVar variation 567450 (VCV000567450.11), dbSNP rs143439721, ClinGen allele CA7789449.
Genomic context (GRCh38, chr16:724,735, plus strand): 5'-GCTCACCACTGCCTGCCAGGCGCAGTGTTGCAGCCGTAGGACGTACTCATCCTTCAGTTT[C>G]TTGAGCTGCAGCTGCAGCCGGGCATTTTCAGCCTCTGCCTGACGGAGCTGGCCTTGGCAG-3'
Protein context (NP_001364959.1, residues 227-247): AENARLQLQL[Lys237Asn]KLKDEYVLRL